The following is an entry in ClinVar:

NM_019109.5(ALG1):c.1264-11T>G

Genes: EEF2KMT (eukaryotic elongation factor 2 lysine methyltransferase; minus strand), ALG1 (ALG1 chitobiosyldiphosphodolichol beta-mannosyltransferase; plus strand). Cytogenetic location: 16p13.3.
Variant type: single nucleotide variant.
Coding change: c.1264-11T>G on transcript NM_019109.5 (MANE Select); 11 bases into the intron before coding-DNA position 1264, T replaced by G.
Molecular consequence: intron variant. On other transcripts: 3 prime UTR variant (3).
Genome position (GRCh38, 1-based): chr16:5,084,739, T>G. VCF-style: chr16-5084739-T-G. GRCh37 (hg19) VCF-style: chr16-5134740-T-G.
Other names: c.*893A>C (NM_001289029.2, NM_201400.4, NM_201598.4); c.931-11T>G (NM_001330504.2).
Identifiers: ClinVar variation 1416279 (VCV001416279.6), dbSNP rs1047764, ClinGen allele CA7890319.

ClinVar aggregate classification (germline): Uncertain significance. Review status: criteria provided, multiple submitters, no conflicts (2 of 4 stars). 2 submissions from 2 submitters: Uncertain significance (2). Last evaluated 2022-08-23.

Conditions:
ALG1-congenital disorder of glycosylation. Also called: ALG1-CDG; CONGENITAL DISORDER OF GLYCOSYLATION, TYPE Ik; CDG Ik. Identifiers: Orphanet 79327, MedGen C2931005, MONDO:0012052, OMIM 608540.

Allele frequency attached by ClinVar (database versions not stated): ExAC 0.00001; gnomAD exomes 0.00001 and 0.00006.

Submissions (2):

Labcorp Genetics (formerly Invitae), Labcorp
Classification: Uncertain significance for ALG1-congenital disorder of glycosylation. Last evaluated: 2022-08-23. Review status: criteria provided, single submitter. Criteria: Invitae Variant Classification Sherloc (09022015). Collection method: clinical testing. Allele origin: germline.
Comment: This sequence change falls in intron 12 of the ALG1 gene. It does not directly change the encoded amino acid sequence of the ALG1 protein. The frequency data for this variant in the population databases is considered unreliable, as metrics indicate poor data quality at this position in the gnomAD database. This variant has not been reported in the literature in individuals affected with ALG1-related conditions. ClinVar contains an entry for this variant (Variation ID: 1416279). Algorithms developed to predict the effect of sequence changes on RNA splicing suggest that this variant may disrupt the consensus splice site. In summary, the available evidence is currently insufficient to determine the role of this variant in disease. Therefore, it has been classified as a Variant of Uncertain Significance.

Breakthrough Genomics
Classification: Uncertain significance. Review status: criteria provided, single submitter. Criteria: ACMG Guidelines, 2015. Collection method: not provided. Allele origin: germline. Inheritance: Autosomal recessive inheritance. Affected: yes.